The following is an entry in ClinVar:

NM_003356.4(UCP3):c.92C>T (p.Thr31Ile)

Gene: UCP3 (uncoupling protein 3; minus strand). Cytogenetic location: 11q13.4.
Variant type: single nucleotide variant.
Coding change: c.92C>T on transcript NM_003356.4 (MANE Select); coding-DNA position 92, C replaced by T.
Protein change: p.Thr31Ile; replaces threonine 31 with isoleucine.
Molecular consequence: missense variant.
Genome position (GRCh38, 1-based): chr11:74,006,951, G>A on the plus strand (C>T on the coding strand, the complement: UCP3 is on the minus strand). VCF-style: chr11-74006951-G-A. GRCh37 (hg19) VCF-style: chr11-73717996-G-A.
Other names: c.92C>T, p.Thr31Ile (NM_022803.3); short protein forms T31I.
Identifiers: ClinVar variation 3357035 (VCV003357035.1).

ClinVar aggregate classification (germline): Uncertain significance (0 of 4 stars; one submission).

Conditions:
UCP3-related disorder. Also called: UCP3-related condition.

Submission:

PreventionGenetics, part of Exact Sciences
Classification: Uncertain significance for UCP3-related condition. Last evaluated: 2024-03-27. Review status: no assertion criteria provided. Collection method: clinical testing. Allele origin: germline.
Comment: The UCP3 c.92C>T variant is predicted to result in the amino acid substitution p.Thr31Ile. To our knowledge, this variant has not been reported in the literature. This variant is reported in 0.0029% of alleles in individuals of Latino descent in gnomAD. At this time, the clinical significance of this variant is uncertain due to the absence of conclusive functional and genetic evidence.